The following is an entry in ClinVar:

NM_001723.7(DST):c.4337A>G (p.Asn1446Ser)

Gene: DST (dystonin; minus strand). Cytogenetic location: 6p12.1.
Variant type: single nucleotide variant.
Coding change: c.4337A>G on transcript NM_001723.7 (MANE Plus Clinical); coding-DNA position 4337, A replaced by G.
Protein change: p.Asn1446Ser; replaces asparagine 1446 with serine.
Molecular consequence: missense variant. On other transcripts: intron variant (10).
Genome position (GRCh38, 1-based): chr6:56,619,697, T>C on the plus strand (A>G on the coding strand, the complement: DST is on the minus strand). VCF-style: chr6-56619697-T-C. GRCh37 (hg19) VCF-style: chr6-56484495-T-C.
Other names: c.4830+4833A>G (NM_001144769.5); c.4929+4833A>G (NM_001374722.1, NM_001374736.1); c.4956+4833A>G (NM_001374734.1); c.4416+4833A>G (NM_001144770.2); c.4296+4833A>G (NM_001374730.1, NM_001386100.1, NM_183380.4 and 1 more transcripts); c.3318+4833A>G (NM_015548.5); short protein forms N1446S.
Identifiers: ClinVar variation 573607 (VCV000573607.6), dbSNP rs747365882, ClinGen allele CA3870550.

ClinVar aggregate classification (germline): Uncertain significance (1 of 4 stars; one submission).

Conditions:
Epidermolysis bullosa simplex 3, localized or generalized intermediate, with BP230 deficiency (EBS3). Also called: Epidermolysis bullosa simplex, autosomal recessive 2; Epidermolysis bullosa simplex due to BP230 deficiency. Identifiers: Orphanet 412181, MedGen C3809470, MONDO:0014180, OMIM 615425.
Hereditary sensory and autonomic neuropathy type 6. Also called: Neuropathy, hereditary sensory and autonomic, type VI; HSAN VI. Identifiers: Orphanet 314381, MedGen C3539003, MONDO:0013839, OMIM 614653.

Allele frequency attached by ClinVar (database versions not stated): ExAC 0.00001; gnomAD 0.00001; gnomAD exomes 0.00001 and 0.00002; TOPMed 0.00001.
gnomAD v4.1: 16 of 1,613,934 alleles (0.00099%); highest among the groups gnomAD compares: Admixed American, 0.0033%; no homozygotes.

Submission:

Labcorp Genetics (formerly Invitae), Labcorp
Classification: Uncertain significance for Epidermolysis bullosa simplex 3, localized or generalized intermediate, with BP230 deficiency; Hereditary sensory and autonomic neuropathy type 6. Last evaluated: 2021-08-27. Review status: criteria provided, single submitter. Criteria: Invitae Variant Classification Sherloc (09022015). Collection method: clinical testing. Allele origin: germline.
Comment: This sequence change replaces asparagine with serine at codon 1446 of the DST protein (p.Asn1446Ser). The asparagine residue is weakly conserved and there is a small physicochemical difference between asparagine and serine. This variant is present in population databases (rs747365882, ExAC 0.001%). This variant has not been reported in the literature in individuals affected with DST-related conditions. Algorithms developed to predict the effect of missense changes on protein structure and function (SIFT, PolyPhen-2, Align-GVGD) all suggest that this variant is likely to be tolerated. In summary, the available evidence is currently insufficient to determine the role of this variant in disease. Therefore, it has been classified as a Variant of Uncertain Significance.